The following is an entry in ClinVar:

ClinVar aggregate classification (germline): Pathogenic. Review status: criteria provided, single submitter (1 of 4 stars). 2 submissions from 2 submitters: Pathogenic (1). 1 of the submissions does not count toward it. Last evaluated 2022-11-30.

Conditions:
ZEB2-related disorder. Also called: ZEB2-related condition.
Mowat-Wilson syndrome (MOWS). Also called: Classic Mowat-Wilson Syndrome. Identifiers: Orphanet 2152, MedGen C1856113, MONDO:0009341, OMIM 235730.

Submissions (2):

PreventionGenetics, part of Exact Sciences
Classification: Pathogenic for ZEB2-related condition. Last evaluated: 2022-11-30. Review status: criteria provided, single submitter. Criteria: ACMG Guidelines, 2015. Collection method: clinical testing. Allele origin: germline.
Comment: The ZEB2 c.1257delG variant is predicted to result in a frameshift and premature protein termination (p.Gly421Glufs*6). This variant was reported in an individual with a clinical suspicion of Mowat-Wilson syndrome (Saunders et al 2009. PubMed ID: 19842203). This variant has not been reported in a large population database, indicating this variant is rare. Frameshift variants in ZEB2 are expected to be pathogenic. This variant is interpreted as pathogenic.

Molecular Genetics Laboratory, Children's Mercy Hospital and Clinics
Classification: Pathogenic for Mowat-Wilson syndrome. Last evaluated: 2015-03-02. Review status: no assertion criteria provided. Collection method: clinical testing. Allele origin: unknown. Affected: yes. Not counted in ClinVar's aggregate classification.

NM_014795.4(ZEB2):c.1257del (p.Gly421fs)

Gene: ZEB2 (zinc finger E-box binding homeobox 2; minus strand). Cytogenetic location: 2q22.3.
Variant type: Deletion.
Coding change: c.1257del on transcript NM_014795.4 (MANE Select); coding-DNA position 1257, one base deleted (G; older notation c.1257delG).
Protein change: p.Gly421fs; shifts the reading frame from glycine 421.
Molecular consequence: frameshift variant.
Genome position (GRCh38, 1-based): chr2:144,399,930, C deleted on the plus strand (G on the coding strand, the reverse complement: ZEB2 is on the minus strand); the first of 3 consecutive C bases (chr2:144,399,930-144,399,932); deleting any one gives the same sequence. VCF-style (leftmost placement, unchanged base first): chr2-144399929-GC-G. GRCh37 (hg19) VCF-style: chr2-145157496-GC-G.
Other names: c.1185del, p.Gly397fs (NM_001171653.2); short protein forms G421fs, G397fs.
Identifiers: ClinVar variation 189263 (VCV000189263.2), dbSNP rs786204801, ClinGen allele CA274504.
Genomic context (GRCh38, chr2:144,399,929, plus strand): 5'-CTAAGTGCTGCATTGGACTCTGAGCAGATGGATGAACTCCTAAAGGGCTGGTGGCTCCAA[GC>G]CCACCATTCATAAAGGGACTAGTGCCACTAAACCCGTGTGTAGCCATAAGAACTTTATAG-3'